The following is an entry in ClinVar:

ClinVar aggregate classification (germline): Uncertain significance (1 of 4 stars; one submission).

Submission:

GeneDx
Classification: Uncertain significance. Last evaluated: 2025-02-16. Review status: criteria provided, single submitter. Criteria: GeneDx Variant Classification Process June 2021. Collection method: clinical testing. Allele origin: germline. Affected: yes.
Comment: Not observed at significant frequency in large population cohorts (gnomAD); In silico analysis indicates that this missense variant does not alter protein structure/function; Has not been previously published as pathogenic or benign to our knowledge

NM_001371986.1(UNC80):c.893G>A (p.Ser298Asn)

Gene: UNC80 (unc-80 subunit of NALCN channel complex; plus strand). Cytogenetic location: 2q34.
Variant type: single nucleotide variant.
Coding change: c.893G>A on transcript NM_001371986.1 (MANE Select); coding-DNA position 893, G replaced by A.
Protein change: p.Ser298Asn; replaces serine 298 with asparagine.
Molecular consequence: missense variant.
Genome position (GRCh38, 1-based): chr2:209,793,814, G>A. VCF-style: chr2-209793814-G-A. GRCh37 (hg19) VCF-style: chr2-210658538-G-A.
Other names: c.893G>A, p.Ser298Asn (NM_032504.2, NM_182587.4); short protein forms S298N.
Identifiers: ClinVar variation 4075716 (VCV004075716.1).